The following is an entry in ClinVar:

ClinVar aggregate classification (germline): Uncertain significance. Review status: criteria provided, multiple submitters, no conflicts (2 of 4 stars). 2 submissions from 2 submitters: Uncertain significance (2). Last evaluated 2025-03-09.

Conditions:
Hereditary cancer-predisposing syndrome. Also called: Neoplastic Syndromes, Hereditary; Tumor predisposition; Hereditary neoplastic syndrome; Hereditary Cancer Syndrome. Identifiers: Orphanet 140162, MedGen C0027672, MeSH D009386, MONDO:0015356.
Cardiovascular phenotype. Identifiers: MedGen CN230736.

Submissions (2):

Labcorp Genetics (formerly Invitae), Labcorp
Classification: Uncertain significance. Last evaluated: 2025-03-09. Review status: criteria provided, single submitter. Criteria: Invitae Variant Classification Sherloc (09022015). Collection method: clinical testing. Allele origin: germline.
Comment: This sequence change replaces alanine, which is neutral and non-polar, with valine, which is neutral and non-polar, at codon 518 of the LZTR1 protein (p.Ala518Val). This variant is not present in population databases (gnomAD no frequency). This variant has not been reported in the literature in individuals affected with LZTR1-related conditions. ClinVar contains an entry for this variant (Variation ID: 3238097). Invitae Evidence Modeling of protein sequence and biophysical properties (such as structural, functional, and spatial information, amino acid conservation, physicochemical variation, residue mobility, and thermodynamic stability) indicates that this missense variant is not expected to disrupt LZTR1 protein function with a negative predictive value of 80%. In summary, the available evidence is currently insufficient to determine the role of this variant in disease. Therefore, it has been classified as a Variant of Uncertain Significance.

Ambry Genetics
Classification: Uncertain significance for Cardiovascular phenotype; Hereditary cancer-predisposing syndrome. Last evaluated: 2024-01-17. Review status: criteria provided, single submitter. Criteria: Ambry Variant Classification Scheme 2023. Collection method: clinical testing. Allele origin: germline.
Comment: The p.A518V variant (also known as c.1553C>T), located in coding exon 14 of the LZTR1 gene, results from a C to T substitution at nucleotide position 1553. The alanine at codon 518 is replaced by valine, an amino acid with similar properties. This amino acid position is conserved. In addition, the in silico prediction for this alteration is inconclusive. Based on the available evidence, the clinical significance of this alteration remains unclear.

NM_006767.4(LZTR1):c.1553C>T (p.Ala518Val)

Gene: LZTR1 (leucine zipper like post translational regulator 1; plus strand). Cytogenetic location: 22q11.21.
Variant type: single nucleotide variant.
Coding change: c.1553C>T on transcript NM_006767.4 (MANE Select); coding-DNA position 1553, C replaced by T.
Protein change: p.Ala518Val; replaces alanine 518 with valine.
Molecular consequence: missense variant.
Genome position (GRCh38, 1-based): chr22:20,994,207, C>T. VCF-style: chr22-20994207-C-T. GRCh37 (hg19) VCF-style: chr22-21348496-C-T.
Other names: short protein forms A518V.
Identifiers: ClinVar variation 3238097 (VCV003238097.3), dbSNP rs1423730863.